The following is an entry in ClinVar:

ClinVar aggregate classification (germline): Likely pathogenic (1 of 4 stars; one submission).

Conditions:
Hereditary cancer-predisposing syndrome. Also called: Hereditary neoplastic syndrome; Neoplastic Syndromes, Hereditary; Tumor predisposition; Hereditary Cancer Syndrome. Identifiers: Orphanet 140162, MedGen C0027672, MeSH D009386, MONDO:0015356.

Submission:

Ambry Genetics
Classification: Likely pathogenic for Hereditary cancer-predisposing syndrome. Last evaluated: 2025-09-03. Review status: criteria provided, single submitter. Criteria: Ambry Variant Classification Scheme 2023. Collection method: clinical testing. Allele origin: germline.
Comment: The c.1678-24_1678-23insAATATAAAA intronic variant, results from an insertion of 9 nucleotides at nucleotide position 1678-24 before intron 7 of the BARD1 gene. This nucleotide position is not well conserved in available vertebrate species. In silico splice site analysis for this alteration is inconclusive. RNA studies have demonstrated that this alteration results in abnormal splicing in the set of samples tested (Ambry internal data). Based on the majority of available evidence to date, this variant is likely to be pathogenic.

NM_000465.4(BARD1):c.1678-24_1678-23insAATATAAAA

Gene: BARD1 (BRCA1 associated RING domain 1; minus strand). Cytogenetic location: 2q35.
Variant type: Insertion.
Coding change: c.1678-24_1678-23insAATATAAAA on transcript NM_000465.4 (MANE Select); 24 bases into the intron before coding-DNA position 1678 through 23 bases into the intron before coding-DNA position 1678, AATATAAAA inserted.
Molecular consequence: intron variant.
Genome position: GRCh38 VCF-style: chr2-214745877-C-CTTTTATATT. GRCh37 (hg19) VCF-style: chr2-215610601-C-CTTTTATATT.
Other names: c.268-24_268-23insAATATAAAA (NM_001282548.2); c.1621-24_1621-23insAATATAAAA (NM_001282543.2); c.325-24_325-23insAATATAAAA (NM_001282545.2); c.365-15370_365-15369insAATATAAAA (NM_001282549.2).
Identifiers: ClinVar variation 3820352 (VCV003820352.2).
Genomic context (GRCh38, chr2:214,745,877, plus strand): 5'-AGTACAAGAGGTCCATCCCTACGCTGCCCAGTGTTCATCTGTTAATATAAAAGGAGATAC[C>CTTTTATATT]AGTGTTAAAAACATTAGACGACTAGACAAAGACATTAAACAGACTGTTACTTGATATAAG-3'